The following is an entry in ClinVar:

NM_001040108.2(MLH3):c.2908T>A (p.Leu970Met)

Gene: MLH3 (mutL homolog 3; minus strand). Cytogenetic location: 14q24.3.
Variant type: single nucleotide variant.
Coding change: c.2908T>A on transcript NM_001040108.2 (MANE Select); coding-DNA position 2908, T replaced by A.
Protein change: p.Leu970Met; replaces leucine 970 with methionine.
Molecular consequence: missense variant.
Genome position (GRCh38, 1-based): chr14:75,046,748, A>T on the plus strand (T>A on the coding strand, the complement: MLH3 is on the minus strand). VCF-style: chr14-75046748-A-T. GRCh37 (hg19) VCF-style: chr14-75513451-A-T.
Other names: c.2908T>A, p.Leu970Met (NM_014381.3); short protein forms L970M.
Identifiers: ClinVar variation 3232505 (VCV003232505.1), dbSNP rs2503258109, ClinGen allele CA390437607.

ClinVar aggregate classification (germline): Uncertain significance (1 of 4 stars; one submission).

Submission:

Ambry Genetics
Classification: Uncertain significance. Last evaluated: 2023-10-02. Review status: criteria provided, single submitter. Criteria: Ambry Variant Classification Scheme 2023. Collection method: clinical testing. Allele origin: germline.
Comment: The p.L970M variant (also known as c.2908T>A), located in coding exon 1 of the MLH3 gene, results from a T to A substitution at nucleotide position 2908. The leucine at codon 970 is replaced by methionine, an amino acid with highly similar properties. This amino acid position is conserved. In addition, this alteration is predicted to be tolerated by in silico analysis. Since supporting evidence is limited at this time, the clinical significance of this alteration remains unclear.